The following is an entry in ClinVar:

ClinVar aggregate classification (germline): Conflicting classifications of pathogenicity. Review status: criteria provided, conflicting classifications (1 of 4 stars). 7 submissions from 7 submitters: Uncertain significance (6); Likely benign (1). Last evaluated 2026-01-25.

Conditions:
Hereditary cancer-predisposing syndrome. Also called: Neoplastic Syndromes, Hereditary; Tumor predisposition; Hereditary Cancer Syndrome; Hereditary neoplastic syndrome. Identifiers: Orphanet 140162, MedGen C0027672, MeSH D009386, MONDO:0015356.
BAP1-related tumor predisposition syndrome (TPDS1). Also called: Tumor susceptibility linked to germline BAP1 mutations; BAP1 tumor predisposition syndrome; COMMON Syndrome; TUMOR PREDISPOSITION SYNDROME 1. Identifiers: Orphanet 289539, MedGen C3280492, MONDO:0013692, OMIM 614327.
Melanoma, uveal, susceptibility to, 2 (UVM2). Also called: Melanoma, uveal 2. Identifiers: Orphanet 39044, MedGen C1847723, MONDO:0011696, OMIM 606661.
Kury-Isidor syndrome (KURIS). Identifiers: MedGen C5676925, MONDO:0859230, OMIM 619762.

Allele frequency attached by ClinVar (database versions not stated): 1000 Genomes Project 30x 0.00016.

Submissions (7):

Labcorp Genetics (formerly Invitae), Labcorp
Classification: Uncertain significance for BAP1-related tumor predisposition syndrome. Last evaluated: 2026-01-25. Review status: criteria provided, single submitter. Criteria: Invitae Variant Classification Sherloc (09022015). Collection method: clinical testing. Allele origin: germline.
Comment: This sequence change replaces asparagine, which is neutral and polar, with serine, which is neutral and polar, at codon 446 of the BAP1 protein (p.Asn446Ser). This variant is present in population databases (rs751399960, gnomAD 0.03%). This missense change has been observed in individual(s) with stomach adenocarcinoma (PMID: 26689913). ClinVar contains an entry for this variant (Variation ID: 485251). Invitae Evidence Modeling of protein sequence and biophysical properties (such as structural, functional, and spatial information, amino acid conservation, physicochemical variation, residue mobility, and thermodynamic stability) indicates that this missense variant is not expected to disrupt BAP1 protein function with a negative predictive value of 80%. In summary, the available evidence is currently insufficient to determine the role of this variant in disease. Therefore, it has been classified as a Variant of Uncertain Significance.

Quest Diagnostics Nichols Institute San Juan Capistrano
Classification: Uncertain significance. Last evaluated: 2024-10-19. Review status: criteria provided, single submitter. Criteria: Quest Diagnostics criteria. Collection method: clinical testing. Allele origin: unknown.
Comment: The BAP1 c.1337A>G (p.Asn446Ser) variant has been reported in the published literature in an individual affected with stomach adenocarcinoma (PMID: 26689913 (2015)). The frequency of this variant in the general population, 0.00026 (9/34586 chromosomes (Genome Aggregation Database)), is uninformative in the assessment of its pathogenicity. Analysis of this variant using bioinformatics tools for the prediction of the effect of amino acid changes on protein structure and function yielded predictions that this variant is benign. Based on the available information, we are unable to determine the clinical significance of this variant.

Fulgent Genetics
Classification: Uncertain significance for Melanoma, uveal, susceptibility to, 2; BAP1-related tumor predisposition syndrome; Kury-Isidor syndrome. Last evaluated: 2024-06-10. Review status: criteria provided, single submitter. Criteria: ACMG Guidelines, 2015. Collection method: clinical testing. Allele origin: germline.

Color Diagnostics, LLC DBA Color Health
Classification: Uncertain significance for Hereditary cancer-predisposing syndrome. Last evaluated: 2023-11-21. Review status: criteria provided, single submitter. Criteria: ACMG Guidelines, 2015. Collection method: clinical testing. Allele origin: germline.
Comment: This missense variant replaces asparagine with serine at codon 446 of the BAP1 protein. Computational prediction suggests that this variant may not impact protein structure and function (internally defined REVEL score threshold <= 0.5, PMID: 27666373). To our knowledge, functional studies have not been reported for this variant. This variant has been reported in an individual affected with stomach adenocarcinoma (PMID: 26689913). This variant has been identified in 9/251434 chromosomes in the general population by the Genome Aggregation Database (gnomAD). The available evidence is insufficient to determine the role of this variant in disease conclusively. Therefore, this variant is classified as a Variant of Uncertain Significance.

Baylor Genetics
Classification: Uncertain significance for BAP1-related tumor predisposition syndrome. Last evaluated: 2023-10-08. Review status: criteria provided, single submitter. Criteria: ACMG Guidelines, 2015. Collection method: clinical testing. Allele origin: unknown.

Ambry Genetics
Classification: Likely benign for Hereditary cancer-predisposing syndrome. Last evaluated: 2022-08-10. Review status: criteria provided, single submitter. Criteria: Ambry Variant Classification Scheme 2023. Collection method: clinical testing. Allele origin: germline.

GeneDx
Classification: Uncertain significance. Last evaluated: 2019-08-02. Review status: criteria provided, single submitter. Criteria: GeneDx Variant Classification Process June 2021. Collection method: clinical testing. Allele origin: germline. Affected: yes.
Comment: Not observed at a significant frequency in large population cohorts (Lek 2016); In silico analysis, which includes protein predictors and evolutionary conservation, supports that this variant does not alter protein structure/function; Has not been previously published as pathogenic or benign to our knowledge

Literature cited by the submitters: PubMed 26689913 (cited by 4 submitters).

NM_004656.4(BAP1):c.1337A>G (p.Asn446Ser)

Gene: BAP1 (BRCA1 associated deubiquitinase 1; minus strand). Cytogenetic location: 3p21.1.
Variant type: single nucleotide variant.
Coding change: c.1337A>G on transcript NM_004656.4 (MANE Select); coding-DNA position 1337, A replaced by G.
Protein change: p.Asn446Ser; replaces asparagine 446 with serine.
Molecular consequence: missense variant.
Genome position (GRCh38, 1-based): chr3:52,403,808, T>C on the plus strand (A>G on the coding strand, the complement: BAP1 is on the minus strand). VCF-style: chr3-52403808-T-C. GRCh37 (hg19) VCF-style: chr3-52437824-T-C.
Other names: c.1337A>G (LRG_529t1); short protein forms N446S.
Identifiers: ClinVar variation 485251 (VCV000485251.23), dbSNP rs751399960, ClinGen allele CA2436821.